The following is an entry in ClinVar:

NM_019032.6(ADAMTSL4):c.2165C>G (p.Pro722Arg)

Genes: ADAMTSL4 (ADAMTS like 4; plus strand), ADAMTSL4-AS2 (ADAMTSL4 antisense RNA 2; minus strand). Cytogenetic location: 1q21.2.
Variant type: single nucleotide variant.
Coding change: c.2165C>G on transcript NM_019032.6 (MANE Select); coding-DNA position 2165, C replaced by G.
Protein change: p.Pro722Arg; replaces proline 722 with arginine.
Molecular consequence: missense variant.
Genome position (GRCh38, 1-based): chr1:150,557,611, C>G. VCF-style: chr1-150557611-C-G. GRCh37 (hg19) VCF-style: chr1-150530087-C-G.
Other names: c.2234C>G, p.Pro745Arg (NM_001288608.2); c.2165C>G, p.Pro722Arg (NM_001378596.1, NM_025008.5); c.2048C>G, p.Pro683Arg (NM_001288607.2); short protein forms P722R, P745R, P683R.
Identifiers: ClinVar variation 2809774 (VCV002809774.3), dbSNP rs764004320, ClinGen allele CA1078551.
Genomic context (GRCh38, chr1:150,557,611, plus strand): 5'-AACGCAGCTGTGCCGCGGGTGCCAGGCCCCCAGCCTCCCCTGAACCCTGCCACGGCACCC[C>G]ATGCCCCCCATAGTGAGTATGGGGGAGCCCACGGGGAGGGTTAGGGTACTGGAAACACAG-3'
Protein context (NP_061905.2, residues 712-732): PASPEPCHGT[Pro722Arg]CPPYWEAGEW

ClinVar aggregate classification (germline): Uncertain significance (1 of 4 stars; one submission).

Allele frequency attached by ClinVar (database versions not stated): TOPMed below 0.00001.

Submission:

Labcorp Genetics (formerly Invitae), Labcorp
Classification: Uncertain significance. Last evaluated: 2023-04-23. Review status: criteria provided, single submitter. Criteria: Invitae Variant Classification Sherloc (09022015). Collection method: clinical testing. Allele origin: germline.
Comment: In summary, the available evidence is currently insufficient to determine the role of this variant in disease. Therefore, it has been classified as a Variant of Uncertain Significance. Advanced modeling of protein sequence and biophysical properties (such as structural, functional, and spatial information, amino acid conservation, physicochemical variation, residue mobility, and thermodynamic stability) performed at Invitae indicates that this missense variant is expected to disrupt ADAMTSL4 protein function. This variant has not been reported in the literature in individuals affected with ADAMTSL4-related conditions. This variant is not present in population databases (gnomAD no frequency). This sequence change replaces proline, which is neutral and non-polar, with arginine, which is basic and polar, at codon 722 of the ADAMTSL4 protein (p.Pro722Arg).